The following is an entry in ClinVar:

NM_003114.5(SPAG1):c.842G>A (p.Arg281His)

Gene: SPAG1 (sperm associated antigen 1; plus strand). Cytogenetic location: 8q22.2.
Variant type: single nucleotide variant.
Coding change: c.842G>A on transcript NM_003114.5 (MANE Select); coding-DNA position 842, G replaced by A.
Protein change: p.Arg281His; replaces arginine 281 with histidine.
Molecular consequence: missense variant.
Genome position (GRCh38, 1-based): chr8:100,191,399, G>A. VCF-style: chr8-100191399-G-A. GRCh37 (hg19) VCF-style: chr8-101203627-G-A.
Other names: c.842G>A, p.Arg281His (NM_001374321.1, NM_172218.3); short protein forms R281H.
Identifiers: ClinVar variation 576795 (VCV000576795.10), dbSNP rs369126472, ClinGen allele CA4827381.
Genomic context (GRCh38, chr8:100,191,399, plus strand): 5'-CCATAATGCCACATATTAAAAAACATAACTTTTATATTGGTAAATTTTCAGCTCTTCTGC[G>A]TCGTGCTACTACATATAAACATCAAAACAAGCTCCGGGAAGCTACAGAAGATTTGAGTAA-3'
Protein context (NP_003105.2, residues 271-291): LEPGNVKALL[Arg281His]RATTYKHQNK

ClinVar aggregate classification (germline): Uncertain significance. Review status: criteria provided, multiple submitters, no conflicts (2 of 4 stars). 2 submissions from 2 submitters: Uncertain significance (2). Last evaluated 2025-07-15.

Conditions:
Primary ciliary dyskinesia 28. Also called: CILIARY DYSKINESIA, PRIMARY, 28, WITH OR WITHOUT SITUS INVERSUS. Identifiers: Orphanet 244, MedGen C3809706, MONDO:0014216, OMIM 615505.
Primary ciliary dyskinesia. Also called: Ciliary dyskinesia. Identifiers: Orphanet 244, MedGen C0008780, MONDO:0016575, HP:0012265.

Allele frequency attached by ClinVar (database versions not stated): gnomAD exomes 0.00005 and 0.00004; ExAC 0.00007; ESP Exome Variant Server 0.00008; TOPMed 0.00012; gnomAD 0.00017 and 0.00019.
gnomAD v4.1: 98 of 1,611,544 alleles (0.0061%); highest among the groups gnomAD compares: African/African-American, 0.032%; no homozygotes.

Submissions (2):

Ambry Genetics
Classification: Uncertain significance for Primary ciliary dyskinesia. Last evaluated: 2025-07-15. Review status: criteria provided, single submitter. Criteria: Ambry Variant Classification Scheme 2023. Collection method: clinical testing. Allele origin: germline.

Labcorp Genetics (formerly Invitae), Labcorp
Classification: Uncertain significance for Primary ciliary dyskinesia 28. Last evaluated: 2022-06-15. Review status: criteria provided, single submitter. Criteria: Invitae Variant Classification Sherloc (09022015). Collection method: clinical testing. Allele origin: germline.
Comment: This sequence change replaces arginine, which is basic and polar, with histidine, which is basic and polar, at codon 281 of the SPAG1 protein (p.Arg281His). This variant is present in population databases (rs369126472, gnomAD 0.03%). In summary, the available evidence is currently insufficient to determine the role of this variant in disease. Therefore, it has been classified as a Variant of Uncertain Significance. Algorithms developed to predict the effect of missense changes on protein structure and function are either unavailable or do not agree on the potential impact of this missense change (SIFT: "Deleterious"; PolyPhen-2: "Probably Damaging"; Align-GVGD: "Class C0"). ClinVar contains an entry for this variant (Variation ID: 576795). This variant has not been reported in the literature in individuals affected with SPAG1-related conditions.